The following is an entry in ClinVar:

ClinVar aggregate classification (germline): Uncertain significance (1 of 4 stars; one submission).

Conditions:
Peroxisome biogenesis disorder. Identifiers: Orphanet 79189, MedGen C1832200, MONDO:0019234. Disease mechanism: loss of function.

Submission:

Labcorp Genetics (formerly Invitae), Labcorp
Classification: Uncertain significance for Peroxisome biogenesis disorder. Last evaluated: 2022-05-01. Review status: criteria provided, single submitter. Criteria: Invitae Variant Classification Sherloc (09022015). Collection method: clinical testing. Allele origin: germline.
Comment: This sequence change replaces aspartic acid, which is acidic and polar, with asparagine, which is neutral and polar, at codon 292 of the PEX16 protein (p.Asp292Asn). Information on the frequency of this variant in the gnomAD database is not available, as this variant may be reported differently in the database. This variant has not been reported in the literature in individuals affected with PEX16-related conditions. Experimental studies and prediction algorithms are not available or were not evaluated, and the functional significance of this variant is currently unknown. In summary, the available evidence is currently insufficient to determine the role of this variant in disease. Therefore, it has been classified as a Variant of Uncertain Significance.

NM_004813.4(PEX16):c.873_874inv (p.Asp292Asn)

Gene: PEX16 (peroxisomal biogenesis factor 16; minus strand). Cytogenetic location: 11p11.2.
Variant type: Inversion.
Coding change: c.873_874inv on transcript NM_004813.4 (MANE Select).
Protein change: p.Asp292Asn; replaces aspartic acid 292 with asparagine.
Molecular consequence: missense variant.
Genome position: GRCh38 VCF-style: chr11-45913832-CA-TG. GRCh37 (hg19) VCF-style: chr11-45935383-CA-TG.
Other names: c.873_874inv, p.Asp292Asn (NM_057174.3); short protein forms D292N.
Identifiers: ClinVar variation 1914654 (VCV001914654.2), ClinGen allele CA2580084302.
Genomic context (GRCh38, chr11:45,913,832, plus strand): 5'-CCCGCTTGCCAGCCCTCTCCCTGGCTCAGGGTGTCCTGGGTGCTTACTCGGAGAAGCGGT[CA>TG]TAGAAAGGAGAGCGCAGCAGGTAGTAGAGCAGCAGGATGGTCCGGCGCCGCAGCTCCCGC-3'
Protein context (NP_004804.2, residues 282-302): LYYLLRSPFY[Asp292Asn]RFSEARILFL